The following is an entry in ClinVar:

ClinVar aggregate classification (germline): Conflicting classifications of pathogenicity. Review status: criteria provided, conflicting classifications (1 of 4 stars). 8 submissions from 4 submitters: Uncertain significance (3); Benign (4); Likely benign (1). Last evaluated 2026-01-31.

Conditions:
Tibial muscular dystrophy (TMD). Also called: UDD MYOPATHY; Udd Distal Myopathy – Tibial Muscular Dystrophy; Tibial muscular dystrophy, tardive. Identifiers: Orphanet 609, MedGen C1838244, MONDO:0010870, OMIM 600334.
Early-onset myopathy with fatal cardiomyopathy (CMYO5). Also called: CONGENITAL MYOPATHY 5 WITH CARDIOMYOPATHY; Salih Myopathy. Identifiers: Orphanet 289377, MedGen C2673677, MONDO:0012714, OMIM 611705. Disease mechanism: loss of function.
Dilated cardiomyopathy 1G (CMD1G). Identifiers: Orphanet 154, MedGen C1858763, MONDO:0011400, OMIM 604145.
Myopathy, myofibrillar, 9, with early respiratory failure (MFM9). Also called: Hereditary myopathy with early respiratory failure; Myopathy, distal, with early respiratory failure, autosomal dominant; MYOPATHY, PROXIMAL, WITH EARLY RESPIRATORY MUSCLE INVOLVEMENT; EDSTROM MYOPATHY. Identifiers: Orphanet 178464, Orphanet 34521, MedGen C1863599, MONDO:0011362, OMIM 603689.
Autosomal recessive limb-girdle muscular dystrophy type 2J (LGMDR10). Also called: Limb-girdle muscular dystrophy, type 2J; MUSCULAR DYSTROPHY, LIMB-GIRDLE, AUTOSOMAL RECESSIVE 10. Identifiers: Orphanet 140922, MedGen C1837342, MONDO:0012127, OMIM 608807.

Allele frequency attached by ClinVar (database versions not stated): gnomAD 0.00006 and 0.00009; gnomAD exomes 0.00008 and 0.00023; TOPMed 0.00017; ExAC 0.00024; 1000 Genomes Project 30x 0.00031; 1000 Genomes Project 0.00040.
gnomAD v4.1: 127 of 1,592,934 alleles (0.008%); highest among the groups gnomAD compares: East Asian, 0.28%; no homozygotes.

Submissions (8):

Labcorp Genetics (formerly Invitae), Labcorp
Classification: Benign for Dilated cardiomyopathy 1G; Autosomal recessive limb-girdle muscular dystrophy type 2J. Last evaluated: 2026-01-31. Review status: criteria provided, single submitter. Criteria: Invitae Variant Classification Sherloc (09022015). Collection method: clinical testing. Allele origin: germline.

Blueprint Genetics
Classification: Likely benign. Last evaluated: 2024-05-30. Review status: criteria provided, single submitter. Criteria: ACMG Guidelines, 2015. Collection method: clinical testing. Allele origin: germline.

Women's Health and Genetics/Laboratory Corporation of America, LabCorp
Classification: Benign. Last evaluated: 2023-05-18. Review status: criteria provided, single submitter. Criteria: LabCorp Variant Classification Summary - May 2015. Collection method: clinical testing. Allele origin: germline.
Comment: Variant summary: TTN c.24730+11T>C alters a non-conserved nucleotide located close to a canonical splice site and therefore could affect mRNA splicing, leading to a significantly altered protein sequence. 4/4 computational tools predict no significant impact on normal splicing. However, these predictions have yet to be confirmed by functional studies. The variant allele was found at a frequency of 0.00023 in 244590 control chromosomes, exclusively within the East Asian subpopulation at a frequency of 0.0032 in the gnomAD database. The observed variant frequency within East Asian control individuals in the gnomAD database is approximately 8-fold of the estimated maximal expected allele frequency for a pathogenic variant in TTN causing Dilated Cardiomyopathy phenotype (0.00039), strongly suggesting that the variant is a benign polymorphism found primarily in populations of East Asian origin. To our knowledge, no occurrence of c.24730+11T>C in individuals affected with Dilated Cardiomyopathy and no experimental evidence demonstrating its impact on protein function have been reported. Three clinical diagnostic laboratories have submitted clinical-significance assessments for this variant to ClinVar after 2014 without evidence for independent evaluation and classified the variant as benign (n=2) and VUS (n=1). Based on the evidence outlined above, the variant was classified as benign.

Illumina Laboratory Services, Illumina
Classification: Uncertain significance for Dilated cardiomyopathy 1G. Last evaluated: 2018-01-13. Review status: criteria provided, single submitter. Criteria: ICSL Variant Classification Criteria 13 December 2019. Collection method: clinical testing. Allele origin: germline.

Illumina Laboratory Services, Illumina
Classification: Uncertain significance for Autosomal recessive limb-girdle muscular dystrophy type 2J. Last evaluated: 2018-01-13. Review status: criteria provided, single submitter. Criteria: ICSL Variant Classification Criteria 13 December 2019. Collection method: clinical testing. Allele origin: germline.

Illumina Laboratory Services, Illumina
Classification: Benign for Myopathy, myofibrillar, 9, with early respiratory failure. Last evaluated: 2018-01-13. Review status: criteria provided, single submitter. Criteria: ICSL Variant Classification Criteria 13 December 2019. Collection method: clinical testing. Allele origin: germline.
Comment: This variant was observed in the ICSL laboratory as part of a predisposition screen in an ostensibly healthy population. It had not been previously curated by ICSL or reported in the Human Gene Mutation Database (HGMD: prior to June 1st, 2018), and was therefore a candidate for classification through an automated scoring system. Utilizing variant allele frequency, disease prevalence and penetrance estimates, and inheritance mode, an automated score was calculated to assess if this variant is too frequent to cause the disease. Based on the score and internal cut-off values, a variant classified as benign is not then subjected to further curation. The score for this variant resulted in a classification of benign for this disease.

Illumina Laboratory Services, Illumina
Classification: Benign for Tibial muscular dystrophy. Last evaluated: 2018-01-13. Review status: criteria provided, single submitter. Criteria: ICSL Variant Classification Criteria 13 December 2019. Collection method: clinical testing. Allele origin: germline.
Comment: the same text as in the submission from Illumina Laboratory Services, Illumina above.

Illumina Laboratory Services, Illumina
Classification: Uncertain significance for Early-onset myopathy with fatal cardiomyopathy. Last evaluated: 2018-01-13. Review status: criteria provided, single submitter. Criteria: ICSL Variant Classification Criteria 13 December 2019. Collection method: clinical testing. Allele origin: germline.

NM_001267550.2(TTN):c.28462+11T>C

Gene: TTN (titin; minus strand). Cytogenetic location: 2q31.2.
Variant type: single nucleotide variant.
Coding change: c.28462+11T>C on transcript NM_001267550.2 (MANE Select); 11 bases into the intron after coding-DNA position 28462, T replaced by C.
Molecular consequence: intron variant.
Genome position (GRCh38, 1-based): chr2:178,710,624, A>G on the plus strand (T>C on the coding strand, the complement: TTN is on the minus strand). VCF-style: chr2-178710624-A-G. GRCh37 (hg19) VCF-style: chr2-179575351-A-G.
Other names: c.13282+27458T>C (NM_003319.4); c.13858+27458T>C (NM_133437.4); c.13657+27458T>C (NM_133432.3); c.24730+11T>C (NM_133378.4); c.27511+11T>C (NM_001256850.1).
Identifiers: ClinVar variation 893230 (VCV000893230.13), dbSNP rs563062273, ClinGen allele CA1999596.